The following is an entry in ClinVar:

NM_003803.4(MYOM1):c.63C>A (p.Asp21Glu)

Gene: MYOM1 (myomesin 1; minus strand). Cytogenetic location: 18p11.31.
Variant type: single nucleotide variant.
Coding change: c.63C>A on transcript NM_003803.4 (MANE Select); coding-DNA position 63, C replaced by A.
Protein change: p.Asp21Glu; replaces aspartic acid 21 with glutamic acid.
Molecular consequence: missense variant.
Genome position (GRCh38, 1-based): chr18:3,215,161, G>T on the plus strand (C>A on the coding strand, the complement: MYOM1 is on the minus strand). VCF-style: chr18-3215161-G-T. GRCh37 (hg19) VCF-style: chr18-3215159-G-T.
Other names: c.63C>A, p.Asp21Glu (NM_019856.2); short protein forms D21E.
Identifiers: ClinVar variation 1753294 (VCV001753294.2), dbSNP rs1455770385, ClinGen allele CA401718350.
Genomic context (GRCh38, chr18:3,215,161, plus strand): 5'-CTGGGTGTAGACGGCGGAGCGTTTCTTCTCCCGCTGGTAGTGACTCACGGTGCTGCGCAC[G>T]TCCTTGTTGCGGTAGCTGAGATCATAGTGCTGGTGGCACCTCTGATAAAAAGGCAAAGAC-3'
Protein context (NP_003794.3, residues 11-31): QHYDLSYRNK[Asp21Glu]VRSTVSHYQR

ClinVar aggregate classification (germline): Uncertain significance (1 of 4 stars; one submission).

Allele frequency attached by ClinVar (database versions not stated): gnomAD exomes 0.00001.
gnomAD v4.1: 5 of 1,613,676 alleles (0.00031%); highest among the groups gnomAD compares: South Asian, 0.0011%; no homozygotes.

Submission:

Ambry Genetics
Classification: Uncertain significance. Last evaluated: 2021-12-13. Review status: criteria provided, single submitter. Criteria: Ambry Variant Classification Scheme 2023. Collection method: clinical testing. Allele origin: germline.
Comment: The p.D21E variant (also known as c.63C>A), located in coding exon 1 of the MYOM1 gene, results from a C to A substitution at nucleotide position 63. The aspartic acid at codon 21 is replaced by glutamic acid, an amino acid with highly similar properties. This amino acid position is conserved. In addition, this alteration is predicted to be tolerated by in silico analysis. Since supporting evidence is limited at this time, the clinical significance of this alteration remains unclear.